The following is an entry in ClinVar:

ClinVar aggregate classification (germline): Uncertain significance (1 of 4 stars; one submission).

gnomAD v4.1: 13 of 1,613,006 alleles (0.00081%); highest among the groups gnomAD compares: Middle Eastern, 0.049%; no homozygotes.

Submission:

Women's Health and Genetics/Laboratory Corporation of America, LabCorp
Classification: Uncertain significance. Last evaluated: 2025-04-21. Review status: criteria provided, single submitter. Criteria: LabCorp Variant Classification Summary - May 2015. Collection method: clinical testing. Allele origin: germline.
Comment: Variant summary: VWF c.1540C>G (p.Pro514Ala) results in a non-conservative amino acid change in the encoded protein sequence. Three of five in-silico tools predict a damaging effect of the variant on protein function. The variant was absent in 247804 control chromosomes. The available data on variant occurrences in the general population are insufficient to allow any conclusion about variant significance. To our knowledge, no occurrence of c.1540C>G in individuals affected with Von Willebrand Disease and no experimental evidence demonstrating its impact on protein function have been reported. No submitters have cited clinical-significance assessments for this variant to ClinVar. Based on the evidence outlined above, the variant was classified as uncertain significance.

NM_000552.5(VWF):c.1540C>G (p.Pro514Ala)

Gene: VWF (von Willebrand factor; minus strand). Cytogenetic location: 12p13.31.
Variant type: single nucleotide variant.
Coding change: c.1540C>G on transcript NM_000552.5 (MANE Select); coding-DNA position 1540, C replaced by G.
Protein change: p.Pro514Ala; replaces proline 514 with alanine.
Molecular consequence: missense variant.
Genome position (GRCh38, 1-based): chr12:6,058,038, G>C on the plus strand (C>G on the coding strand, the complement: VWF is on the minus strand). VCF-style: chr12-6058038-G-C. GRCh37 (hg19) VCF-style: chr12-6167204-G-C.
Other names: short protein forms P514A.
Identifiers: ClinVar variation 3896143 (VCV003896143.2).